The following is an entry in ClinVar:

ClinVar aggregate classification (germline): Uncertain significance (1 of 4 stars; one submission).

Conditions:
EPILEPSY, CHILDHOOD ABSENCE, SUSCEPTIBILITY TO, 2 (ECA2). Identifiers: Orphanet 64280, MedGen C1843244, OMIM 607681.
Febrile seizures, familial, 8 (FEB8). Also called: CONVULSIONS, FAMILIAL FEBRILE, 8. Identifiers: Orphanet 36387, MedGen C1969810, MONDO:0011891, OMIM 607681.

Submission:

Labcorp Genetics (formerly Invitae), Labcorp
Classification: Uncertain significance for Febrile seizures, familial, 8; EPILEPSY, CHILDHOOD ABSENCE, SUSCEPTIBILITY TO, 2. Last evaluated: 2024-09-18. Review status: criteria provided, single submitter. Criteria: Invitae Variant Classification Sherloc (09022015). Collection method: clinical testing. Allele origin: germline.
Comment: This sequence change replaces aspartic acid, which is acidic and polar, with histidine, which is basic and polar, at codon 149 of the GABRG2 protein (p.Asp149His). This variant is not present in population databases (gnomAD no frequency). This variant has not been reported in the literature in individuals affected with GABRG2-related conditions. ClinVar contains an entry for this variant (Variation ID: 1522485). Invitae Evidence Modeling of protein sequence and biophysical properties (such as structural, functional, and spatial information, amino acid conservation, physicochemical variation, residue mobility, and thermodynamic stability) indicates that this missense variant is expected to disrupt GABRG2 protein function with a positive predictive value of 95%. In summary, the available evidence is currently insufficient to determine the role of this variant in disease. Therefore, it has been classified as a Variant of Uncertain Significance.

NM_198904.4(GABRG2):c.445G>C (p.Asp149His)

Gene: GABRG2 (gamma-aminobutyric acid type A receptor subunit gamma2; plus strand). Cytogenetic location: 5q34.
Variant type: single nucleotide variant.
Coding change: c.445G>C on transcript NM_198904.4 (MANE Select); coding-DNA position 445, G replaced by C.
Protein change: p.Asp149His; replaces aspartic acid 149 with histidine.
Molecular consequence: missense variant.
Genome position (GRCh38, 1-based): chr5:162,097,755, G>C. VCF-style: chr5-162097755-G-C. GRCh37 (hg19) VCF-style: chr5-161524761-G-C.
Other names: c.445G>C, p.Asp149His (NM_000816.3, NM_001375340.1, NM_001375341.1 and 4 more transcripts); c.436G>C, p.Asp146His (NM_001375339.1); c.379G>C, p.Asp127His (NM_001375345.1, NM_001375346.1); c.358G>C, p.Asp120His (NM_001375347.1); c.25G>C, p.Asp9His (NM_001375348.1, NM_001375350.1); c.160G>C, p.Asp54His (NM_001375349.1); short protein forms D146H, D54H, D9H, D127H, D120H, D149H.
Identifiers: ClinVar variation 1522485 (VCV001522485.8), dbSNP rs2113326238, ClinGen allele CA362184193.